The following is an entry in ClinVar:

ClinVar aggregate classification (germline): Pathogenic. Review status: criteria provided, multiple submitters, no conflicts (2 of 4 stars). 4 submissions from 4 submitters: Pathogenic (2). 2 of the submissions do not count toward it. Last evaluated 2024-02-02.

Conditions:
Generalized epilepsy with febrile seizures plus, type 2 (GEFSP2). Also called: GEFS+, TYPE 2. Identifiers: Orphanet 36387, MedGen C1858673, MONDO:0011461, OMIM 604403.
Severe myoclonic epilepsy in infancy (DRVT). Also called: Severe Myoclonic Epilepsy in Infancy (SMEI); SEVERE MYOCLONIC EPILEPSY OF INFANCY; DEVELOPMENTAL AND EPILEPTIC ENCEPHALOPATHY 6A; Dravet syndrome; Epileptic encephalopathy, early infantile, 6 (Dravet syndrome). Identifiers: Orphanet 33069, MedGen C0751122, MONDO:0100135, OMIM 607208.
Developmental and epileptic encephalopathy 6B. Also called: Developmental and epileptic encephalopathy 6B, non-Dravet. Identifiers: MedGen C5543353, MONDO:0030268, OMIM 619317.
Migraine, familial hemiplegic, 3. Identifiers: Orphanet 569, MedGen C1864987, MONDO:0012320, OMIM 609634.
Febrile seizures, familial, 3a. Also called: FEBRILE SEIZURES, FAMILIAL, 3A, SUSCEPTIBILITY TO; Antiepileptic drugs, response to. Identifiers: MedGen C2751756, MONDO:0800329.

Submissions (5):

Institute of Immunology and Genetics Kaiserslautern
Classification: Pathogenic for Developmental and epileptic encephalopathy 6B; Severe myoclonic epilepsy in infancy; Generalized epilepsy with febrile seizures plus, type 2; Migraine, familial hemiplegic, 3. Last evaluated: 2024-02-02. Review status: criteria provided, single submitter. Criteria: ACMG Guidelines, 2015. Collection method: clinical testing. Allele origin: germline. Affected: yes.
Comment: ACMG Criteria: PM1,PM2_P,PM5,PS3,PP3,PP5 ; Variant was found in heterozygous state

GeneDx
Classification: Pathogenic. Last evaluated: 2016-06-08. Review status: criteria provided, single submitter. Criteria: GeneDx Variant Classification (06012015). Collection method: clinical testing. Allele origin: germline. Affected: yes.
Comment: The M145T missense variant in the SCN1A gene has been reported previously to co-segregate with febrile seizures in a large family, and functional studies demonstrated abnormalities consistent with a loss-of-function pathogenic variant (Mantegazza et al., 2005; Colosimo et al., 2007). The M145T variant was not observed in approximately 6,500 individuals of European and African American ancestry in the NHLBI Exome Sequencing Project, indicating it is not a common benign variant in these populations. The M145T variant is a non-conservative amino acid substitution, which is likely to impact secondary protein structure as these residues differ in polarity, charge, size and/or other properties. Additionally, this substitution alters a highly conserved position predicted to be within the transmembrane segment S1 of the first homologous domain, and in silico analysis predicts this variant is probably damaging to the protein structure/function. Furthermore, a missense variant at the same position (M145V) has been reported in the Human Gene Mutation Database in association with Dravet syndrome (Stenson et al., 2014).

OMIM
Classification: Pathogenic for FEBRILE SEIZURES, FAMILIAL, 3A. Last evaluated: 2005-12-13. Review status: no assertion criteria provided. Collection method: literature only. Allele origin: germline. Not counted in ClinVar's aggregate classification.

Channelopathy-Associated Epilepsy Research Center
No classification provided (evidence only). Condition: Severe myoclonic epilepsy in infancy. Review status: no classification provided. Collection method: literature only. Allele origin: not applicable. Functional consequence: Moderate decrease in peak current, Severe depolarizing shift of voltage dependence of activation, Normal voltage dependence of fast inactivation, Overall loss-of-function effect with respect to biophysical channel activity. Not counted in ClinVar's aggregate classification.
ClinVar note: "not provided" was previously submitted as the classification for the variant. However, the classification appeared to be based only on an observation of functional data so it was converted to no classification on 2025-07-30.

UniProtKB/Swiss-Prot
No classification provided. Review status: no classification provided. Collection method: not provided. Allele origin: germline. Not counted in ClinVar's aggregate classification.

Literature cited by the submitters: PubMed 16326807 (cited by OMIM and Channelopathy-Associated Epilepsy Research Center).

NM_001165963.4(SCN1A):c.434T>C (p.Met145Thr)

Gene: SCN1A (sodium voltage-gated channel alpha subunit 1; minus strand). Cytogenetic location: 2q24.3.
Variant type: single nucleotide variant.
Coding change: c.434T>C on transcript NM_001165963.4 (MANE Select); coding-DNA position 434, T replaced by C.
Protein change: p.Met145Thr; replaces methionine 145 with threonine.
Molecular consequence: missense variant. On other transcripts: 5 prime UTR variant (1), non-coding transcript variant (1).
Genome position (GRCh38, 1-based): chr2:166,056,450, A>G on the plus strand (T>C on the coding strand, the complement: SCN1A is on the minus strand). VCF-style: chr2-166056450-A-G. GRCh37 (hg19) VCF-style: chr2-166912960-A-G.
Other names: c.434T>C, p.Met145Thr (NM_001165964.3, NM_001202435.3, NM_001353948.2 and 10 more transcripts); c.-1992T>C (NM_001353961.2); short protein forms M145T.
Identifiers: ClinVar variation 12896 (VCV000012896.6), dbSNP rs121918631, ClinGen allele CA256617.